The following is an entry in ClinVar:

ClinVar aggregate classification (germline): Uncertain significance (1 of 4 stars; one submission).

Conditions:
Dyskeratosis congenita. Identifiers: Orphanet 1775, MedGen C0265965, MONDO:0015780.

Submission:

Ambry Genetics
Classification: Uncertain significance for Dyskeratosis congenita. Last evaluated: 2023-05-14. Review status: criteria provided, single submitter. Criteria: Ambry Variant Classification Scheme 2023. Collection method: clinical testing. Allele origin: germline.
Comment: The p.Y667C variant (also known as c.2000A>G), located in coding exon 5 of the TERT gene, results from an A to G substitution at nucleotide position 2000. The tyrosine at codon 667 is replaced by cysteine, an amino acid with highly dissimilar properties. This amino acid position is conserved. In addition, this alteration is predicted to be deleterious by in silico analysis. Since supporting evidence is limited at this time, the clinical significance of this alteration remains unclear.

NM_198253.3(TERT):c.2000A>G (p.Tyr667Cys)

Gene: TERT (telomerase reverse transcriptase; minus strand). Cytogenetic location: 5p15.33.
Variant type: single nucleotide variant.
Coding change: c.2000A>G on transcript NM_198253.3 (MANE Select); coding-DNA position 2000, A replaced by G.
Protein change: p.Tyr667Cys; replaces tyrosine 667 with cysteine.
Molecular consequence: missense variant. On other transcripts: non-coding transcript variant (2).
Genome position (GRCh38, 1-based): chr5:1,279,421, T>C on the plus strand (A>G on the coding strand, the complement: TERT is on the minus strand). VCF-style: chr5-1279421-T-C. GRCh37 (hg19) VCF-style: chr5-1279536-T-C.
Other names: c.2000A>G, p.Tyr667Cys (NM_001193376.3, NM_003219.1); short protein forms Y667C.
Identifiers: ClinVar variation 3238534 (VCV003238534.1), dbSNP rs2478276917.